The following is an entry in ClinVar:

NM_000057.4(BLM):c.2393A>G (p.His798Arg)

Gene: BLM (BLM RecQ like helicase; plus strand). Cytogenetic location: 15q26.1.
Variant type: single nucleotide variant.
Coding change: c.2393A>G on transcript NM_000057.4 (MANE Select); coding-DNA position 2393, A replaced by G.
Protein change: p.His798Arg; replaces histidine 798 with arginine.
Molecular consequence: missense variant.
Genome position (GRCh38, 1-based): chr15:90,769,218, A>G. VCF-style: chr15-90769218-A-G. GRCh37 (hg19) VCF-style: chr15-91312448-A-G.
Other names: c.2393A>G, p.His798Arg (NM_001287246.2, NM_001287247.2); c.1268A>G, p.His423Arg (NM_001287248.2); short protein forms H798R, H423R.
Identifiers: ClinVar variation 1511871 (VCV001511871.6), dbSNP rs1596238349, ClinGen allele CA393845204.
Genomic context (GRCh38, chr15:90,769,218, plus strand): 5'-CTACTCTGGAGAATCTCTATGAGAGGAAGCTCTTGGCACGTTTTGTTATTGATGAAGCAC[A>G]TTGTGTCAGTCAGGTAAATACTGTTTTTTATATCCGGAAATACCGATAAATACATACTAC-3'
Protein context (NP_000048.1, residues 788-808): LLARFVIDEA[His798Arg]CVSQWGHDFR

ClinVar aggregate classification (germline): Uncertain significance (1 of 4 stars; one submission).

Conditions:
Bloom syndrome (BLM). Also called: Bloom-Torre-Machacek syndrome. Identifiers: Orphanet 125, MedGen C0005859, MONDO:0008876, OMIM 210900.

Submission:

Labcorp Genetics (formerly Invitae), Labcorp
Classification: Uncertain significance for Bloom syndrome. Last evaluated: 2025-09-05. Review status: criteria provided, single submitter. Criteria: Invitae Variant Classification Sherloc (09022015). Collection method: clinical testing. Allele origin: germline.
Comment: This sequence change replaces histidine, which is basic and polar, with arginine, which is basic and polar, at codon 798 of the BLM protein (p.His798Arg). This variant is not present in population databases (gnomAD no frequency). This variant has not been reported in the literature in individuals affected with BLM-related conditions. ClinVar contains an entry for this variant (Variation ID: 1511871). Invitae Evidence Modeling of protein sequence and biophysical properties (such as structural, functional, and spatial information, amino acid conservation, physicochemical variation, residue mobility, and thermodynamic stability) indicates that this missense variant is expected to disrupt BLM protein function with a positive predictive value of 80%. In summary, the available evidence is currently insufficient to determine the role of this variant in disease. Therefore, it has been classified as a Variant of Uncertain Significance.